The following is an entry in ClinVar:

NM_001384140.1(PCDH15):c.3292G>T (p.Glu1098Ter)

Gene: PCDH15 (protocadherin related 15; minus strand). Cytogenetic location: 10q21.1.
Variant type: single nucleotide variant.
Coding change: c.3292G>T on transcript NM_001384140.1 (MANE Select); coding-DNA position 3292, G replaced by T.
Protein change: p.Glu1098Ter; replaces glutamic acid 1098 with a stop codon.
Molecular consequence: nonsense.
Genome position (GRCh38, 1-based): chr10:53,938,896, C>A on the plus strand (G>T on the coding strand, the complement: PCDH15 is on the minus strand). VCF-style: chr10-53938896-C-A. GRCh37 (hg19) VCF-style: chr10-55698656-C-A.
Other names: c.3307G>T, p.Glu1103Ter (NM_001142763.2, NM_001142771.2); c.3292G>T, p.Glu1098Ter (NM_001142764.2, NM_001142766.2, NM_001142770.3 and 4 more transcripts); c.3079G>T, p.Glu1027Ter (NM_001142765.2); c.3181G>T, p.Glu1061Ter (NM_001142767.2); c.3226G>T, p.Glu1076Ter (NM_001142768.2, NM_001142773.2, NM_001354404.2); c.3328G>T, p.Glu1110Ter (NM_001142769.4); c.3313G>T, p.Glu1105Ter (NM_001354411.2); short protein forms E1027*, E1061*, E1076*, E1098*, E1103*, E1105*, E1110*.
Identifiers: ClinVar variation 5012711 (VCV005012711.1).
Genomic context (GRCh38, chr10:53,938,896, plus strand): 5'-TGGCAAGGACCACTTCCAGGGAATCAGCTTGGACTCGAAGTACATAGCTTGTCCTGGTCT[C>A]ATAATCCAGAGGTCCATTCACATAGATAACACCTGTGATGTTATTAATTCCAAATGTATC-3'

ClinVar aggregate classification (germline): Pathogenic (1 of 4 stars; one submission).

Conditions:
Usher syndrome type 1F (USH1F). Also called: USHER SYNDROME, TYPE IF. Identifiers: Orphanet 231169, Orphanet 886, MedGen C1865885, MONDO:0011186, OMIM 602083.

Submission:

Myriad Genetics, Inc.
Classification: Pathogenic for Usher syndrome type 1F. Last evaluated: 2024-02-08. Review status: criteria provided, single submitter. Criteria: Myriad Autosomal Dominant, Autosomal Recessive and X-Linked Classification Criteria (2023). Collection method: clinical testing. Allele origin: unknown.
Comment: NM_033056.3(PCDH15):c.3292G>T(E1098*) is expected to be pathogenic in the context of PCDH15-related disorders. This variant is predicted to lead to an abnormal or absent protein product due to the creation of a premature termination codon in PCDH15, a gene where loss-of-function variants are known to be pathogenic. Please note: this variant was assessed in the context of healthy population screening.